The following is an entry in ClinVar:

ClinVar aggregate classification (germline): Uncertain significance (1 of 4 stars; one submission).

gnomAD v4.1: 10 of 1,609,942 alleles (0.00062%); highest among the groups gnomAD compares: Middle Eastern, 0.017%; no homozygotes.

Submission:

Labcorp Genetics (formerly Invitae), Labcorp
Classification: Uncertain significance. Last evaluated: 2025-02-20. Review status: criteria provided, single submitter. Criteria: Invitae Variant Classification Sherloc (09022015). Collection method: clinical testing. Allele origin: germline.
Comment: This sequence change replaces tyrosine, which is neutral and polar, with phenylalanine, which is neutral and non-polar, at codon 573 of the STAT4 protein (p.Tyr573Phe). This variant is not present in population databases (gnomAD no frequency). This variant has not been reported in the literature in individuals affected with STAT4-related conditions. An algorithm developed to predict the effect of missense changes on protein structure and function (PolyPhen-2) suggests that this variant is likely to be tolerated. In summary, the available evidence is currently insufficient to determine the role of this variant in disease. Therefore, it has been classified as a Variant of Uncertain Significance.

NM_003151.4(STAT4):c.1718A>T (p.Tyr573Phe)

Gene: STAT4 (signal transducer and activator of transcription 4; minus strand). Cytogenetic location: 2q32.2.
Variant type: single nucleotide variant.
Coding change: c.1718A>T on transcript NM_003151.4 (MANE Select); coding-DNA position 1718, A replaced by T.
Protein change: p.Tyr573Phe; replaces tyrosine 573 with phenylalanine.
Molecular consequence: missense variant.
Genome position (GRCh38, 1-based): chr2:191,033,624, T>A on the plus strand (A>T on the coding strand, the complement: STAT4 is on the minus strand). VCF-style: chr2-191033624-T-A. GRCh37 (hg19) VCF-style: chr2-191898350-T-A.
Other names: c.1718A>T, p.Tyr573Phe (NM_001243835.2); short protein forms Y573F.
Identifiers: ClinVar variation 4809353 (VCV004809353.1).
Genomic context (GRCh38, chr2:191,033,624, plus strand): 5'-CCAGGCATTTTATCCTTTAGCAACAGCCGTTCCTTCTCTTTGCTAACAAAGCCCATGACA[T>A]ACCTAAAAATAGAACATGCATTATTTCATCTGATCATTATTGGATTTTCACTTATTGCAT-3'
Protein context (NP_003142.1, residues 563-583): KHILPLWIDG[Tyr573Phe]VMGFVSKEKE